The following is an entry in ClinVar:

ClinVar aggregate classification (germline): Conflicting classifications of pathogenicity. Review status: criteria provided, conflicting classifications (1 of 4 stars). 2 submissions from 2 submitters: Uncertain significance (1); Likely benign (1). Last evaluated 2025-08-03.

Conditions:
Capillary malformation-arteriovenous malformation syndrome. Also called: Capillary malformation-arteriovenous malformation. Identifiers: Orphanet 137667, MedGen C1842180, MONDO:0012016.
Cardiovascular phenotype. Identifiers: MedGen CN230736.

gnomAD v4.1: 21 of 1,614,096 alleles (0.0013%); highest among the groups gnomAD compares: Non-Finnish European, 0.0018%; no homozygotes.

Submissions (2):

Labcorp Genetics (formerly Invitae), Labcorp
Classification: Uncertain significance for Capillary malformation-arteriovenous malformation syndrome. Last evaluated: 2025-08-03. Review status: criteria provided, single submitter. Criteria: Invitae Variant Classification Sherloc (09022015). Collection method: clinical testing. Allele origin: germline.
Comment: This sequence change replaces aspartic acid, which is acidic and polar, with glutamic acid, which is acidic and polar, at codon 113 of the RASA1 protein (p.Asp113Glu). This variant is not present in population databases (gnomAD no frequency). This variant has not been reported in the literature in individuals affected with RASA1-related conditions. ClinVar contains an entry for this variant (Variation ID: 2340553). An algorithm developed to predict the effect of missense changes on protein structure and function outputs the following: PolyPhen-2: "Benign". The glutamic acid amino acid residue is found in multiple mammalian species, which suggests that this missense change does not adversely affect protein function. In summary, the available evidence is currently insufficient to determine the role of this variant in disease. Therefore, it has been classified as a Variant of Uncertain Significance.

Ambry Genetics
Classification: Likely benign for Cardiovascular phenotype. Last evaluated: 2022-12-28. Review status: criteria provided, single submitter. Criteria: Ambry Variant Classification Scheme 2023. Collection method: clinical testing. Allele origin: germline.

NM_002890.3(RASA1):c.339C>A (p.Asp113Glu)

Gene: RASA1 (RAS p21 protein activator 1; plus strand). Cytogenetic location: 5q14.3.
Variant type: single nucleotide variant.
Coding change: c.339C>A on transcript NM_002890.3 (MANE Select); coding-DNA position 339, C replaced by A.
Protein change: p.Asp113Glu; replaces aspartic acid 113 with glutamic acid.
Molecular consequence: missense variant.
Genome position (GRCh38, 1-based): chr5:87,268,790, C>A. VCF-style: chr5-87268790-C-A. GRCh37 (hg19) VCF-style: chr5-86564607-C-A.
Other names: short protein forms D113E.
Identifiers: ClinVar variation 2340553 (VCV002340553.5), dbSNP rs2531003190, ClinGen allele CA360417202.
Genomic context (GRCh38, chr5:87,268,790, plus strand): 5'-TGGCGTAGCTGGTGCTGCTGCTGGCGTGGCCGGTGCTGCTGTTGCTGGACCTAGTGGAGA[C>A]ATGGCTCTCACCAAACTGCCCACTTCGTTGCTTGCTGAGACTCTCGGGCCAGGCGGCGGT-3'
Protein context (NP_002881.1, residues 103-123): AGAAVAGPSG[Asp113Glu]MALTKLPTSL